The following is an entry in ClinVar:

ClinVar aggregate classification (germline): Uncertain significance. Review status: criteria provided, multiple submitters, no conflicts (2 of 4 stars). 2 submissions from 2 submitters: Uncertain significance (2). Last evaluated 2025-02-04.

Conditions:
Desmin-related myofibrillar myopathy (MFM1). Also called: Desminopathy; Desmin related myopathy (former name); Desmin storage myopathy (former name); Myofibrillar myopathy 1; MYOFIBRILLAR MYOPATHY WITH ARRHYTHMOGENIC RIGHT VENTRICULAR CARDIOMYOPATHY; DESMIN-RELATED MYOPATHY WITH ARRHYTHMOGENIC RIGHT VENTRICULAR CARDIOMYOPATHY. Identifiers: Orphanet 363543, Orphanet 98909, MedGen C1832370, MONDO:0011076, OMIM 601419.

Allele frequency attached by ClinVar (database versions not stated): gnomAD exomes below 0.00001 and 0.00001; ExAC 0.00001; gnomAD 0.00001; TOPMed 0.00001.
gnomAD v4.1: 6 of 1,613,704 alleles (0.00037%); highest among the groups gnomAD compares: Admixed American, 0.0033%; no homozygotes.

Submissions (2):

Labcorp Genetics (formerly Invitae), Labcorp
Classification: Uncertain significance for Desmin-related myofibrillar myopathy. Last evaluated: 2025-02-04. Review status: criteria provided, single submitter. Criteria: Invitae Variant Classification Sherloc (09022015). Collection method: clinical testing. Allele origin: germline.
Comment: This sequence change replaces arginine, which is basic and polar, with cysteine, which is neutral and slightly polar, at codon 315 of the DES protein (p.Arg315Cys). This variant is present in population databases (rs748742357, gnomAD 0.003%). This variant has not been reported in the literature in individuals affected with DES-related conditions. ClinVar contains an entry for this variant (Variation ID: 541302). Invitae Evidence Modeling of protein sequence and biophysical properties (such as structural, functional, and spatial information, amino acid conservation, physicochemical variation, residue mobility, and thermodynamic stability) indicates that this missense variant is expected to disrupt DES protein function with a positive predictive value of 95%. In summary, the available evidence is currently insufficient to determine the role of this variant in disease. Therefore, it has been classified as a Variant of Uncertain Significance.

Revvity Omics, Revvity
Classification: Uncertain significance. Last evaluated: 2019-10-10. Review status: criteria provided, single submitter. Criteria: ACMG Guidelines, 2015. Collection method: clinical testing. Allele origin: germline.

NM_001927.4(DES):c.943C>T (p.Arg315Cys)

Gene: DES (desmin; plus strand). Cytogenetic location: 2q35.
Variant type: single nucleotide variant.
Coding change: c.943C>T on transcript NM_001927.4 (MANE Select); coding-DNA position 943, C replaced by T.
Protein change: p.Arg315Cys; replaces arginine 315 with cysteine.
Molecular consequence: missense variant.
Genome position (GRCh38, 1-based): chr2:219,420,873, C>T. VCF-style: chr2-219420873-C-T. GRCh37 (hg19) VCF-style: chr2-220285595-C-T.
Other names: c.943C>T (LRG_380t1); short protein forms R315C.
Identifiers: ClinVar variation 541302 (VCV000541302.11), dbSNP rs748742357, ClinGen allele CA2125193.